The following is an entry in ClinVar:

ClinVar aggregate classification (germline): Pathogenic (1 of 4 stars; one submission).

gnomAD v4.1: 1 of 1,614,000 alleles (0.000062%); highest among the groups gnomAD compares: Non-Finnish European, 0.000085%; no homozygotes.

Submission:

Labcorp Genetics (formerly Invitae), Labcorp
Classification: Pathogenic. Last evaluated: 2026-01-31. Review status: criteria provided, single submitter. Criteria: Invitae Variant Classification Sherloc (09022015). Collection method: clinical testing. Allele origin: germline.
Comment: This sequence change creates a premature translational stop signal (p.Trp52*) in the MLC1 gene. It is expected to result in an absent or disrupted protein product. Loss-of-function variants in MLC1 are known to be pathogenic (PMID: 11254442, 16470554, 24824219). This variant is not present in population databases (gnomAD no frequency). This variant has not been reported in the literature in individuals affected with MLC1-related conditions. Algorithms developed to predict the effect of sequence changes on RNA splicing suggest that this variant may disrupt the consensus splice site. For these reasons, this variant has been classified as Pathogenic.

Literature cited by the submitters: PubMed 11254442; PubMed 16470554; PubMed 24824219.

NM_015166.4(MLC1):c.156G>A (p.Trp52Ter)

Gene: MLC1 (modulator of VRAC current 1; minus strand). Cytogenetic location: 22q13.33.
Variant type: single nucleotide variant.
Coding change: c.156G>A on transcript NM_015166.4 (MANE Select); coding-DNA position 156, G replaced by A.
Protein change: p.Trp52Ter; replaces tryptophan 52 with a stop codon.
Molecular consequence: nonsense. On other transcripts: non-coding transcript variant (3), intron variant (1).
Genome position (GRCh38, 1-based): chr22:50,084,747, C>T on the plus strand (G>A on the coding strand, the complement: MLC1 is on the minus strand). VCF-style: chr22-50084747-C-T. GRCh37 (hg19) VCF-style: chr22-50523176-C-T.
Other names: c.156G>A, p.Trp52Ter (NM_001376472.1, NM_001376473.1, NM_001376474.1 and 10 more transcripts); c.-59+608G>A (NM_001376484.1); short protein forms W52*.
Identifiers: ClinVar variation 4736501 (VCV004736501.1).